The following is an entry in ClinVar:

NM_003072.5(SMARCA4):c.3440_3441del (p.Gly1146_Ser1147insTer)

Gene: SMARCA4 (SWI/SNF related BAF chromatin remodeling complex subunit ATPase 4; plus strand). Cytogenetic location: 19p13.2.
Variant type: Microsatellite.
Coding change: c.3440_3441del on transcript NM_003072.5 (MANE Select); coding-DNA positions 3440 to 3441, 2 bases deleted (CT; older notation c.3440_3441delCT).
Protein change: p.Gly1146_Ser1147insTer.
Molecular consequence: nonsense. On other transcripts: non-coding transcript variant (1).
Genome position (GRCh38, 1-based): chr19:11,030,787-11,030,788, CT deleted; deleting any 2 consecutive bases within chr19:11,030,785-11,030,788 gives the same sequence; the c. name uses the placement nearest the transcript's 3' end. VCF-style (leftmost placement, unchanged base first): chr19-11030784-GCT-G. GRCh37 (hg19) VCF-style: chr19-11141460-GCT-G.
Other names: c.3440_3441del, p.Gly1146_Ser1147insTer (NM_001128844.3, NM_001128845.2, NM_001128846.2 and 6 more transcripts).
Identifiers: ClinVar variation 3068480 (VCV003068480.2), dbSNP rs2515204417, ClinGen allele CA2825002744.
Genomic context (GRCh38, chr19:11,030,784, plus strand): 5'-CGTCAGGAACCACGAAGGCGGAGGACCGGGGCATGCTGCTGAAAACCTTCAACGAGCCCG[GCT>G]CTGAGTACTTCATCTTCCTGCTCAGCACCCGGGCTGGGGGGCTCGGCCTGAACCTCCAGT-3'

ClinVar aggregate classification (germline): Likely pathogenic (1 of 4 stars; one submission).

Conditions:
Rhabdoid tumor predisposition syndrome 2 (RTPS2). Identifiers: Orphanet 231108, Orphanet 69077, MedGen C2750074, MONDO:0013224, OMIM 613325.

Submission:

Institute of Human Genetics, University of Leipzig Medical Center
Classification: Likely pathogenic for Rhabdoid tumor predisposition syndrome 2. Last evaluated: 2024-03-26. Review status: criteria provided, single submitter. Criteria: ACMG Guidelines, 2015. Collection method: clinical testing. Allele origin: unknown. Inheritance: Autosomal dominant inheritance. Affected: yes.
Comment: Criteria applied: PVS1,PM2_SUP